The following is an entry in ClinVar:

NM_015346.4(ZFYVE26):c.886+1G>A

Gene: ZFYVE26 (zinc finger FYVE-type containing 26; minus strand). Cytogenetic location: 14q24.1.
Variant type: single nucleotide variant.
Coding change: c.886+1G>A on transcript NM_015346.4 (MANE Select); the canonical splice donor site of the intron after coding-DNA position 886, G replaced by A.
Molecular consequence: splice donor variant.
Genome position (GRCh38, 1-based): chr14:67,807,397, C>T on the plus strand (G>A on the coding strand, the complement: ZFYVE26 is on the minus strand). VCF-style: chr14-67807397-C-T. GRCh37 (hg19) VCF-style: chr14-68274114-C-T.
Identifiers: ClinVar variation 3716270 (VCV003716270.2).

ClinVar aggregate classification (germline): Likely pathogenic (1 of 4 stars; one submission).

Conditions:
Spastic paraplegia. Identifiers: MedGen C0037772, HP:0001258.

Submission:

Labcorp Genetics (formerly Invitae), Labcorp
Classification: Likely pathogenic for Spastic paraplegia. Last evaluated: 2025-01-21. Review status: criteria provided, single submitter. Criteria: Invitae Variant Classification Sherloc (09022015). Collection method: clinical testing. Allele origin: germline.
Comment: This sequence change affects a donor splice site in intron 5 of the ZFYVE26 gene. It is expected to disrupt RNA splicing. Variants that disrupt the donor or acceptor splice site typically lead to a loss of protein function (PMID: 16199547), and loss-of-function variants in ZFYVE26 are known to be pathogenic (PMID: 18394578, 19805727). This variant is not present in population databases (gnomAD no frequency). This variant has not been reported in the literature in individuals affected with ZFYVE26-related conditions. Algorithms developed to predict the effect of sequence changes on RNA splicing suggest that this variant may disrupt the consensus splice site. In summary, the currently available evidence indicates that the variant is pathogenic, but additional data are needed to prove that conclusively. Therefore, this variant has been classified as Likely Pathogenic.

Literature cited by the submitters: PubMed 16199547; PubMed 18394578; PubMed 19805727.